The following is an entry in ClinVar:

NM_001872.5(CPB2):c.1040T>C (p.Ile347Thr)

Genes: CPB2 (carboxypeptidase B2; minus strand), CPB2-AS1 (CPB2 antisense RNA 1; plus strand). Cytogenetic location: 13q14.13.
Variant type: single nucleotide variant.
Coding change: c.1040T>C on transcript NM_001872.5 (MANE Select); coding-DNA position 1040, T replaced by C.
Protein change: p.Ile347Thr; replaces isoleucine 347 with threonine.
Molecular consequence: missense variant.
Genome position (GRCh38, 1-based): chr13:46,055,809, A>G on the plus strand (T>C on the coding strand, the complement: CPB2 is on the minus strand). VCF-style: chr13-46055809-A-G. GRCh37 (hg19) VCF-style: chr13-46629944-A-G.
Other names: c.929T>C, p.Ile310Thr (NM_001278541.2); short protein forms I310T, I347T.
Identifiers: ClinVar variation 3058934 (VCV003058934.2), dbSNP rs1926447, ClinGen allele CA6974781.

ClinVar aggregate classification (germline): Benign (0 of 4 stars; one submission).

Conditions:
CPB2-related disorder. Also called: CPB2-related condition.

Allele frequency attached by ClinVar (database versions not stated): gnomAD exomes 0.71971; ExAC 0.74159; ESP Exome Variant Server 0.75707; TOPMed 0.76422; gnomAD 0.76588; 1000 Genomes Project 0.78315; 1000 Genomes Project 30x 0.78841.
gnomAD v4.1: 1,154,851 of 1,595,210 alleles (72%); highest among the groups gnomAD compares: African/African-American, 87%; 421,043 homozygotes.

Submission:

PreventionGenetics, part of Exact Sciences
Classification: Benign for CPB2-related condition. Last evaluated: 2019-10-17. Review status: no assertion criteria provided. Collection method: clinical testing. Allele origin: germline.
Comment: This variant is classified as benign based on ACMG/AMP sequence variant interpretation guidelines (Richards et al. 2015 PMID: 25741868, with internal and published modifications).